The following is an entry in ClinVar:

NM_000020.3(ACVRL1):c.738dup (p.Asn247Ter)

Gene: ACVRL1 (activin A receptor like type 1; plus strand). Cytogenetic location: 12q13.13.
Variant type: Duplication.
Coding change: c.738dup on transcript NM_000020.3 (MANE Select); coding-DNA position 738, one base duplicated (T; older notation c.738dupT).
Protein change: p.Asn247Ter; replaces asparagine 247 with a stop codon.
Molecular consequence: nonsense.
Genome position (GRCh38, 1-based): chr12:51,914,551, T duplicated. VCF-style (leftmost placement, unchanged base first): chr12-51914550-A-AT. GRCh37 (hg19) VCF-style: chr12-52308334-A-AT.
Other names: c.738dup, p.Asn247Ter (NM_001077401.2, NM_001406487.1, NM_001406488.1 and 1 more transcripts); c.426dup, p.Asn143Ter (NM_001406490.1, NM_001406491.1, NM_001406492.1 and 2 more transcripts); c.174dup, p.Asn59Ter (NM_001406495.1); short protein forms N247*, N143*, N59*.
Identifiers: ClinVar variation 3662241 (VCV003662241.2).

ClinVar aggregate classification (germline): Pathogenic (1 of 4 stars; one submission).

Conditions:
Telangiectasia, hereditary hemorrhagic, type 2 (HHT2). Also called: ACVRL1-Related Hereditary Hemorrhagic Telangiectasia; Telangiectasia, hereditary hemorrhagic, type II. Identifiers: Orphanet 774, MedGen C1838163, MONDO:0010880, OMIM 600376. Disease mechanism: loss of function.

Submission:

Labcorp Genetics (formerly Invitae), Labcorp
Classification: Pathogenic for Telangiectasia, hereditary hemorrhagic, type 2. Last evaluated: 2025-12-11. Review status: criteria provided, single submitter. Criteria: Invitae Variant Classification Sherloc (09022015). Collection method: clinical testing. Allele origin: germline.
Comment: This sequence change creates a premature translational stop signal (p.Asn247*) in the ACVRL1 gene. It is expected to result in an absent or disrupted protein product. Loss-of-function variants in ACVRL1 are known to be pathogenic (PMID: 15879500). This variant is not present in population databases (gnomAD no frequency). This variant has not been reported in the literature in individuals affected with ACVRL1-related conditions. ClinVar contains an entry for this variant (Variation ID: 3662241). Algorithms developed to predict the effect of sequence changes on RNA splicing suggest that this variant may disrupt the consensus splice site. For these reasons, this variant has been classified as Pathogenic.

Literature cited by the submitters: PubMed 15879500.